The following is an entry in ClinVar:

NM_001384140.1(PCDH15):c.1401del (p.Gln467fs)

Gene: PCDH15 (protocadherin related 15; minus strand). Cytogenetic location: 10q21.1.
Variant type: Deletion.
Coding change: c.1401del on transcript NM_001384140.1 (MANE Select); coding-DNA position 1401, one base deleted (A; older notation c.1401delA).
Protein change: p.Gln467fs; shifts the reading frame from glutamine 467.
Molecular consequence: frameshift variant.
Genome position (GRCh38, 1-based): chr10:54,185,173, T deleted on the plus strand (A on the coding strand, the reverse complement: PCDH15 is on the minus strand); the first of 2 consecutive T bases (chr10:54,185,173-54,185,174); deleting either gives the same sequence. VCF-style (leftmost placement, unchanged base first): chr10-54185172-GT-G. GRCh37 (hg19) VCF-style: chr10-55944932-GT-G.
Other names: NM_001384140.1(PCDH15):c.1401del; p.Gln467fs; c.1416del, p.Gln472fs (NM_001142763.2, NM_001142771.2); c.1401del, p.Gln467fs (NM_001142764.2, NM_001142765.2, NM_001142766.2 and 6 more transcripts); c.1290del, p.Gln430fs (NM_001142767.2); c.1335del, p.Gln445fs (NM_001142768.2, NM_001142773.2, NM_001354404.2); c.1436delA, p.Gln479Hisfs (NM_001142769.4); c.1422del, p.Gln474fs (NM_001354411.2); short protein forms Q430fs, Q445fs, Q467fs, Q472fs, Q474fs, Q479fs.
Identifiers: ClinVar variation 1074170 (VCV001074170.13), dbSNP rs1193650682, ClinGen allele CA593496617.

ClinVar aggregate classification (germline): Pathogenic/Likely pathogenic. Review status: criteria provided, multiple submitters, no conflicts (2 of 4 stars). 5 submissions from 5 submitters: Pathogenic (1); Likely pathogenic (4). Last evaluated 2025-04-19.

Conditions:
Autosomal recessive nonsyndromic hearing loss 23. Identifiers: Orphanet 90636, MedGen C1836027, MONDO:0012293, OMIM 609533.
Usher syndrome type 1F (USH1F). Also called: USHER SYNDROME, TYPE IF. Identifiers: Orphanet 231169, Orphanet 886, MedGen C1865885, MONDO:0011186, OMIM 602083.

Submissions (5):

Natera, Inc.
Classification: Likely pathogenic for Usher syndrome type 1F. Last evaluated: 2025-04-19. Review status: criteria provided, single submitter. Criteria: Natera Variant Classification Schema (03/2026). Collection method: clinical testing. Allele origin: germline.
Comment: The c.1401delA variant in PCDH15 is a frameshift variant predicted to shift the reading frame beginning at codon 467 and leads to a stop codon 15 codons downstream. This variant is expected to result in nonsense mediated decay, truncation, or a dysfunctional protein product. This variant is rare in the general population with a frequency below the threshold expected for the associated phenotype(s). Given the available evidence, this variant is classified as Likely Pathogenic.

Baylor Genetics
Classification: Likely pathogenic for Autosomal recessive nonsyndromic hearing loss 23. Last evaluated: 2024-01-29. Review status: criteria provided, single submitter. Criteria: ACMG Guidelines, 2015. Collection method: clinical testing. Allele origin: unknown.

Labcorp Genetics (formerly Invitae), Labcorp
Classification: Pathogenic. Last evaluated: 2023-07-06. Review status: criteria provided, single submitter. Criteria: Invitae Variant Classification Sherloc (09022015). Collection method: clinical testing. Allele origin: germline.
Comment: This sequence change creates a premature translational stop signal (p.Gln467Hisfs*15) in the PCDH15 gene. It is expected to result in an absent or disrupted protein product. Loss-of-function variants in PCDH15 are known to be pathogenic (PMID: 11398101, 11487575, 14570705). For these reasons, this variant has been classified as Pathogenic. ClinVar contains an entry for this variant (Variation ID: 1074170). This variant has not been reported in the literature in individuals affected with PCDH15-related conditions. This variant is present in population databases (no rsID available, gnomAD 0.003%).

Broad Center for Mendelian Genomics, Broad Institute of MIT and Harvard
Classification: Likely pathogenic for Usher syndrome type 1F. Last evaluated: 2023-01-24. Review status: criteria provided, single submitter. Criteria: ACMG Guidelines, 2015. Collection method: curation. Allele origin: germline. Inheritance: Autosomal recessive inheritance.
Comment: The p.Gln467fs variant in PCDH15 has not been previously reported in the literature in individuals with Usher syndrome type 1F but has been identified in 0.003% (1/34588) of Latino/Admixed American chromosomes by the Genome Aggregation Database (gnomAD; dbSNP ID: rs1193650682). Although this variant has been seen in the general population in a heterozygous state, its frequency is low enough to be consistent with a recessive carrier frequency. This variant has also been reported in ClinVar (Variation ID#: 1074170) and has been interpreted as pathogenic by Invitae. This variant is predicted to cause a frameshift, which alters the protein‚Äôs amino acid sequence beginning at position 467 and leads to a premature termination codon 15 amino acids downstream. This alteration is then predicted to lead to a truncated or absent protein. Loss of function of the PCDH15 gene is an established disease mechanism in autosomal recessive Usher syndrome type 1F. In summary, although additional studies are required to fully establish its clinical significance, this variant is likely pathogenic for autosomal recessive Usher syndrome type 1F. ACMG/AMP Criteria applied: PVS1, PM2 (Richards 2015).

Women's Health and Genetics/Laboratory Corporation of America, LabCorp
Classification: Likely pathogenic for Usher syndrome type 1F. Last evaluated: 2022-10-14. Review status: criteria provided, single submitter. Criteria: LabCorp Variant Classification Summary - May 2015. Collection method: clinical testing. Allele origin: germline.
Comment: Variant summary: PCDH15 c.1401delA (p.Gln467HisfsX15) results in a premature termination codon, predicted to cause a truncation of the encoded protein or absence of the protein due to nonsense mediated decay, which are commonly known mechanisms for disease. Truncations downstream of this position have been classified as pathogenic by our laboratory. The variant allele was found at a frequency of 4e-06 in 251366 control chromosomes (gnomAD). To our knowledge, no occurrence of c.1401delA in individuals affected with Usher Syndrome Type 1F and no experimental evidence demonstrating its impact on protein function have been reported. One ClinVar submitter has assessed the variant since 2014: the variant was classified as pathogenic. Based on the evidence outlined above, the variant was classified as likely pathogenic.

Literature cited by the submitters: PubMed 11398101 (cited by Labcorp Genetics (formerly Invitae), Labcorp); PubMed 11487575 (cited by Labcorp Genetics (formerly Invitae), Labcorp); PubMed 14570705 (cited by Labcorp Genetics (formerly Invitae), Labcorp).